The following is an entry in ClinVar:

NM_001135649.3(FOXI3):c.1244G>A (p.Arg415Gln)

Gene: FOXI3 (forkhead box I3; minus strand). Cytogenetic location: 2p11.2.
Variant type: single nucleotide variant.
Coding change: c.1244G>A on transcript NM_001135649.3 (MANE Select); coding-DNA position 1244, G replaced by A.
Protein change: p.Arg415Gln; replaces arginine 415 with glutamine.
Molecular consequence: missense variant.
Genome position (GRCh38, 1-based): chr2:88,448,226, C>T on the plus strand (G>A on the coding strand, the complement: FOXI3 is on the minus strand). VCF-style: chr2-88448226-C-T. GRCh37 (hg19) VCF-style: chr2-88747745-C-T.
Other names: short protein forms R415Q.
Identifiers: ClinVar variation 1899487 (VCV001899487.5), dbSNP rs771597752, ClinGen allele CA51943820.

ClinVar aggregate classification (germline): Uncertain significance (1 of 4 stars; one submission).

Allele frequency attached by ClinVar (database versions not stated): TOPMed 0.00001.

Submission:

Labcorp Genetics (formerly Invitae), Labcorp
Classification: Uncertain significance. Last evaluated: 2024-10-23. Review status: criteria provided, single submitter. Criteria: Invitae Variant Classification Sherloc (09022015). Collection method: clinical testing. Allele origin: germline.
Comment: This sequence change replaces arginine, which is basic and polar, with glutamine, which is neutral and polar, at codon 415 of the FOXI3 protein (p.Arg415Gln). This variant is present in population databases (no rsID available, gnomAD 0.01%). This variant has not been reported in the literature in individuals affected with FOXI3-related conditions. ClinVar contains an entry for this variant (Variation ID: 1899487). Experimental studies and prediction algorithms are not available or were not evaluated, and the functional significance of this variant is currently unknown. In summary, the available evidence is currently insufficient to determine the role of this variant in disease. Therefore, it has been classified as a Variant of Uncertain Significance.